The following is an entry in ClinVar:

ClinVar aggregate classification (germline): Uncertain significance (1 of 4 stars; one submission).

Conditions:
Juvenile polyposis syndrome (JPS). Identifiers: Orphanet 2929, MedGen C0345893, MONDO:0017380, OMIM 174900.

Submission:

Labcorp Genetics (formerly Invitae), Labcorp
Classification: Uncertain significance for Juvenile polyposis syndrome. Last evaluated: 2024-10-31. Review status: criteria provided, single submitter. Criteria: Invitae Variant Classification Sherloc (09022015). Collection method: clinical testing. Allele origin: germline.
Comment: This sequence change replaces glycine, which is neutral and non-polar, with glutamic acid, which is acidic and polar, at codon 219 of the BMPR1A protein (p.Gly219Glu). This variant is not present in population databases (gnomAD no frequency). This variant has not been reported in the literature in individuals affected with BMPR1A-related conditions. ClinVar contains an entry for this variant (Variation ID: 239865). Invitae Evidence Modeling incorporating data from in vitro experimental studies (internal data) indicates that this missense variant is not expected to disrupt BMPR1A function with a negative predictive value of 95%. In summary, the available evidence is currently insufficient to determine the role of this variant in disease. Therefore, it has been classified as a Variant of Uncertain Significance.

NM_004329.3(BMPR1A):c.656G>A (p.Gly219Glu)

Gene: BMPR1A (bone morphogenetic protein receptor type 1A; plus strand). Cytogenetic location: 10q23.2.
Variant type: single nucleotide variant.
Coding change: c.656G>A on transcript NM_004329.3 (MANE Select); coding-DNA position 656, G replaced by A.
Protein change: p.Gly219Glu; replaces glycine 219 with glutamic acid.
Molecular consequence: missense variant.
Genome position (GRCh38, 1-based): chr10:86,912,365, G>A. VCF-style: chr10-86912365-G-A. GRCh37 (hg19) VCF-style: chr10-88672122-G-A.
Other names: short protein forms G219E.
Identifiers: ClinVar variation 239865 (VCV000239865.11), dbSNP rs878854671, ClinGen allele CA10582745.